The following is an entry in ClinVar:

ClinVar aggregate classification (germline): Uncertain significance. Review status: criteria provided, multiple submitters, no conflicts (2 of 4 stars). 2 submissions from 2 submitters: Uncertain significance (2). Last evaluated 2025-10-10.

Conditions:
SH2B1-related disorder. Also called: SH2B1-related condition.

Submissions (2):

PreventionGenetics, part of Exact Sciences
Classification: Uncertain significance for SH2B1-related condition. Last evaluated: 2025-10-10. Review status: criteria provided, single submitter. Criteria: ACMG Guidelines, 2015. Collection method: clinical testing. Allele origin: germline.
Comment: The SH2B1 c.362G>A variant is predicted to result in the amino acid substitution p.Gly121Asp. To our knowledge, this variant has not been reported in the literature or in a large population database (gnomAD), indicating this variant is rare. At this time, the clinical significance of this variant is uncertain due to the absence of conclusive functional and genetic evidence.

Labcorp Genetics (formerly Invitae), Labcorp
Classification: Uncertain significance. Last evaluated: 2022-10-12. Review status: criteria provided, single submitter. Criteria: Invitae Variant Classification Sherloc (09022015). Collection method: clinical testing. Allele origin: germline.
Comment: In summary, the available evidence is currently insufficient to determine the role of this variant in disease. Therefore, it has been classified as a Variant of Uncertain Significance. Algorithms developed to predict the effect of missense changes on protein structure and function are either unavailable or do not agree on the potential impact of this missense change (SIFT: "Tolerated"; PolyPhen-2: "Possibly Damaging"; Align-GVGD: "Class C0"). This variant has not been reported in the literature in individuals affected with SH2B1-related conditions. This variant is not present in population databases (gnomAD no frequency). This sequence change replaces glycine, which is neutral and non-polar, with aspartic acid, which is acidic and polar, at codon 121 of the SH2B1 protein (p.Gly121Asp).

NM_001387430.1(SH2B1):c.362G>A (p.Gly121Asp)

Gene: SH2B1 (SH2B adaptor protein 1; plus strand). Cytogenetic location: 16p11.2.
Variant type: single nucleotide variant.
Coding change: c.362G>A on transcript NM_001387430.1 (MANE Select); coding-DNA position 362, G replaced by A.
Protein change: p.Gly121Asp; replaces glycine 121 with aspartic acid.
Molecular consequence: missense variant. On other transcripts: intron variant (1).
Genome position (GRCh38, 1-based): chr16:28,866,456, G>A. VCF-style: chr16-28866456-G-A. GRCh37 (hg19) VCF-style: chr16-28877777-G-A.
Other names: c.362G>A (NM_001145795.1); c.362G>A, p.Gly121Asp (NM_001145795.2, NM_001145796.2, NM_001145797.2 and 4 more transcripts); c.-26-918G>A (NM_001308294.2); short protein forms G121D.
Identifiers: ClinVar variation 1969523 (VCV001969523.6), dbSNP rs1404510321, ClinGen allele CA395422731.
Genomic context (GRCh38, chr16:28,866,456, plus strand): 5'-TTTCGCCACATGACCTGTCCCTTGAGAGCTGCAGGGTGGGTGGGCCCCTGGCTGTGCTGG[G>A]CCCTTCTCGATCATCTGAGGACCTGGCCGGCCCCCTCCCTTCCTCAGTCTCTTCCTCCTC-3'
Protein context (NP_001374359.1, residues 111-131): CRVGGPLAVL[Gly121Asp]PSRSSEDLAG